The following is an entry in ClinVar:

NM_000257.4(MYH7):c.3592G>T (p.Asp1198Tyr)

Gene: MYH7 (myosin heavy chain 7; minus strand). Cytogenetic location: 14q11.2.
Variant type: single nucleotide variant.
Coding change: c.3592G>T on transcript NM_000257.4 (MANE Select); coding-DNA position 3592, G replaced by T.
Protein change: p.Asp1198Tyr; replaces aspartic acid 1198 with tyrosine.
Molecular consequence: missense variant.
Genome position (GRCh38, 1-based): chr14:23,419,979, C>A on the plus strand (G>T on the coding strand, the complement: MYH7 is on the minus strand). VCF-style: chr14-23419979-C-A. GRCh37 (hg19) VCF-style: chr14-23889188-C-A.
Other names: short protein forms D1198Y.
Identifiers: ClinVar variation 520451 (VCV000520451.14), dbSNP rs730880778, ClinGen allele CA389043359.

ClinVar aggregate classification (germline): Conflicting classifications of pathogenicity. Review status: criteria provided, conflicting classifications (1 of 4 stars). 4 submissions from 4 submitters: Likely pathogenic (1); Uncertain significance (3). Last evaluated 2025-10-28.

Conditions:
Cardiomyopathy (CMYO). Also called: Cardiomyopathies. Identifiers: Orphanet 167848, MedGen C0878544, MONDO:0004994, HP:0001638. Inheritance: Various modes of inheritance.
Hypertrophic cardiomyopathy. Also called: HYPERTROPHIC MYOCARDIOPATHY. Identifiers: Orphanet 217569, MedGen C0007194, MeSH D002312, MONDO:0005045, HP:0001639.
Hypertrophic cardiomyopathy 1 (CMH1). Also called: Familial hypertrophic cardiomyopathy 1; MYH7-Related Familial Hypertrophic Cardiomyopathy. Identifiers: MedGen C3495498, MONDO:0008647, OMIM 192600.

Submissions (4):

Color Diagnostics, LLC DBA Color Health
Classification: Uncertain significance for Cardiomyopathy. Last evaluated: 2025-10-28. Review status: criteria provided, single submitter. Criteria: ACMG Guidelines, 2015. Collection method: clinical testing. Allele origin: germline.
Comment: This missense variant replaces aspartic acid with tyrosine at codon 1198 of the MYH7 protein. Computational prediction suggests that this variant may have deleterious impact on protein structure and function. To our knowledge, functional studies have not been reported for this variant. This variant has been reported in an individual affected with hypertrophic cardiomyopathy (PMID: 28790153). This variant has not been identified in the general population by the Genome Aggregation Database (gnomAD). The available evidence is insufficient to determine the role of this variant in disease conclusively. Therefore, this variant is classified as a Variant of Uncertain Significance.

Labcorp Genetics (formerly Invitae), Labcorp
Classification: Uncertain significance for Hypertrophic cardiomyopathy. Last evaluated: 2023-11-20. Review status: criteria provided, single submitter. Criteria: Invitae Variant Classification Sherloc (09022015). Collection method: clinical testing. Allele origin: germline.
Comment: This sequence change replaces aspartic acid, which is acidic and polar, with tyrosine, which is neutral and polar, at codon 1198 of the MYH7 protein (p.Asp1198Tyr). This variant is not present in population databases (gnomAD no frequency). This missense change has been observed in individual(s) with hypertrophic cardiomyopathy (PMID: 28790153, 32894683). ClinVar contains an entry for this variant (Variation ID: 520451). Advanced modeling of protein sequence and biophysical properties (such as structural, functional, and spatial information, amino acid conservation, physicochemical variation, residue mobility, and thermodynamic stability) performed at Invitae indicates that this missense variant is expected to disrupt MYH7 protein function with a positive predictive value of 95%. In summary, the available evidence is currently insufficient to determine the role of this variant in disease. Therefore, it has been classified as a Variant of Uncertain Significance.

Agnes Ginges Centre for Molecular Cardiology, Centenary Institute
Classification: Uncertain significance for Hypertrophic cardiomyopathy 1. Last evaluated: 2017-03-21. Review status: criteria provided, single submitter. Criteria: ACMG Guidelines, 2015. Collection method: research. Allele origin: germline. Affected: yes.
Comment: The MYH7 Asp1198Tyr variant is absent in the 1000 genomes project, as well as the Exome Aggregation Consortium dataset. Interestingly, another rare variant at this position (Arg1198Asn) have also been reported in cardiomyopathy cases, suggesting that an amino acid substitution at this site may not be tolerated. Computational tools SIFT, MutationTaster, PolyPhen-2 and PolyPhen-HCM predict this variant to have a deleterious effect. In summary, based on limited information available and rarity in the general population, we classify MYH7 Asp1198Tyr as variant of "uncertain significance".

Molecular Diagnostic Laboratory for Inherited Cardiovascular Disease, Montreal Heart Institute
Classification: Likely pathogenic. Last evaluated: 2016-05-18. Review status: criteria provided, single submitter. Criteria: ACMG Guidelines, 2015. Collection method: clinical testing. Allele origin: germline. Affected: yes.

Literature cited by the submitters: PubMed 28790153 (cited by Color Diagnostics, LLC DBA Color Health and Labcorp Genetics (formerly Invitae), Labcorp); PubMed 32894683 (cited by Labcorp Genetics (formerly Invitae), Labcorp).